The following is an entry in ClinVar:

ClinVar aggregate classification (germline): Uncertain significance. Review status: criteria provided, multiple submitters, no conflicts (2 of 4 stars). 6 submissions from 6 submitters: Uncertain significance (6). Last evaluated 2025-08-07.

Conditions:
Breast-ovarian cancer, familial, susceptibility to, 4. Identifiers: Orphanet 145, MedGen C3280345, MONDO:0013669, OMIM 614291.
Hereditary cancer-predisposing syndrome. Also called: Hereditary Cancer Syndrome; Neoplastic Syndromes, Hereditary; Tumor predisposition; Hereditary neoplastic syndrome. Identifiers: Orphanet 140162, MedGen C0027672, MeSH D009386, MONDO:0015356.
RAD51D-related disorder. Also called: RAD51D-related condition.

Allele frequency attached by ClinVar (database versions not stated): gnomAD exomes below 0.00001.
gnomAD v4.1: 4 of 1,613,618 alleles (0.00025%); highest among the groups gnomAD compares: Non-Finnish European, 0.00034%; no homozygotes.

Submissions (6):

Labcorp Genetics (formerly Invitae), Labcorp
Classification: Uncertain significance for Breast-ovarian cancer, familial, susceptibility to, 4. Last evaluated: 2025-08-07. Review status: criteria provided, single submitter. Criteria: Invitae Variant Classification Sherloc (09022015). Collection method: clinical testing. Allele origin: germline.
Comment: This sequence change replaces serine, which is neutral and polar, with proline, which is neutral and non-polar, at codon 46 of the RAD51D protein (p.Ser46Pro). This variant is not present in population databases (gnomAD no frequency). This variant has not been reported in the literature in individuals affected with RAD51D-related conditions. ClinVar contains an entry for this variant (Variation ID: 480525). An algorithm developed to predict the effect of missense changes on protein structure and function (PolyPhen-2) suggests that this variant is likely to be tolerated. In summary, the available evidence is currently insufficient to determine the role of this variant in disease. Therefore, it has been classified as a Variant of Uncertain Significance.

Color Diagnostics, LLC DBA Color Health
Classification: Uncertain significance for Hereditary cancer-predisposing syndrome. Last evaluated: 2025-06-23. Review status: criteria provided, single submitter. Criteria: ACMG Guidelines, 2015. Collection method: clinical testing. Allele origin: germline.
Comment: This missense variant replaces serine with proline at codon 46 of the RAD51D protein. Computational prediction suggests that this variant may not impact protein structure and function. To our knowledge, functional studies have not been reported for this variant. This variant has not been reported in individuals affected with hereditary cancer in the literature. This variant has not been identified in the general population by the Genome Aggregation Database (gnomAD). The available evidence is insufficient to determine the role of this variant in disease conclusively. Therefore, this variant is classified as a Variant of Uncertain Significance.

Ambry Genetics
Classification: Uncertain significance for Hereditary cancer-predisposing syndrome. Last evaluated: 2024-12-06. Review status: criteria provided, single submitter. Criteria: Ambry Variant Classification Scheme 2023. Collection method: clinical testing. Allele origin: germline.
Comment: The p.S46P variant (also known as c.136T>C), located in coding exon 2 of the RAD51D gene, results from a T to C substitution at nucleotide position 136. The serine at codon 46 is replaced by proline, an amino acid with similar properties. This amino acid position is highly conserved in available vertebrate species. In addition, this alteration is predicted to be deleterious by in silico analysis. Based on the available evidence, the clinical significance of this variant remains unclear.

Baylor Genetics
Classification: Uncertain significance for Breast-ovarian cancer, familial, susceptibility to, 4. Last evaluated: 2023-06-06. Review status: criteria provided, single submitter. Criteria: ACMG Guidelines, 2015. Collection method: clinical testing. Allele origin: unknown.

PreventionGenetics, part of Exact Sciences
Classification: Uncertain significance for RAD51D-related condition. Last evaluated: 2022-12-09. Review status: criteria provided, single submitter. Criteria: ACMG Guidelines, 2015. Collection method: clinical testing. Allele origin: germline.
Comment: The RAD51D c.136T>C variant is predicted to result in the amino acid substitution p.Ser46Pro. To our knowledge, this variant has not been reported in the literature or in a large population database, indicating this variant is rare. It is interpreted as uncertain significance in ClinVar. At this time, the clinical significance of this variant is uncertain due to the absence of conclusive functional and genetic evidence.

GeneDx
Classification: Uncertain significance. Last evaluated: 2022-09-30. Review status: criteria provided, single submitter. Criteria: GeneDx Variant Classification Process June 2021. Collection method: clinical testing. Allele origin: germline. Affected: yes.
Comment: Not observed at significant frequency in large population cohorts (gnomAD); In silico analysis supports that this missense variant has a deleterious effect on protein structure/function; Has not been previously published as pathogenic or benign to our knowledge; This variant is associated with the following publications: (PMID: 21111057)

NM_002878.4(RAD51D):c.136T>C (p.Ser46Pro)

Genes: RAD51L3-RFFL (RAD51L3-RFFL readthrough; minus strand), RAD51D (RAD51 paralog D; minus strand). Cytogenetic location: 17q12.
Variant type: single nucleotide variant.
Coding change: c.136T>C on transcript NM_002878.4 (MANE Select); coding-DNA position 136, T replaced by C.
Protein change: p.Ser46Pro; replaces serine 46 with proline.
Molecular consequence: missense variant. On other transcripts: non-coding transcript variant (2).
Genome position (GRCh38, 1-based): chr17:35,119,119, A>G on the plus strand (T>C on the coding strand, the complement: RAD51D is on the minus strand). VCF-style: chr17-35119119-A-G. GRCh37 (hg19) VCF-style: chr17-33446138-A-G.
Other names: c.136T>C, p.Ser46Pro (NM_001142571.2, NM_133629.3); short protein forms S46P.
Identifiers: ClinVar variation 480525 (VCV000480525.22), dbSNP rs980673532, ClinGen allele CA290006801.